The following is an entry in ClinVar:

ClinVar aggregate classification (germline): Uncertain significance. Review status: criteria provided, multiple submitters, no conflicts (2 of 4 stars). 2 submissions from 2 submitters: Uncertain significance (2). Last evaluated 2025-08-25.

Conditions:
DICER1-related tumor predisposition. Also called: DICER1 syndrome; DICER1-related pleuropulmonary blastoma cancer predisposition syndrome. Identifiers: Orphanet 284343, MedGen C3839822, MONDO:0100216.
Hereditary cancer-predisposing syndrome. Also called: Neoplastic Syndromes, Hereditary; Hereditary Cancer Syndrome; Tumor predisposition; Hereditary neoplastic syndrome. Identifiers: Orphanet 140162, MedGen C0027672, MeSH D009386, MONDO:0015356.

Submissions (2):

Ambry Genetics
Classification: Uncertain significance for Hereditary cancer-predisposing syndrome. Last evaluated: 2025-08-25. Review status: criteria provided, single submitter. Criteria: Ambry Variant Classification Scheme 2023. Collection method: clinical testing. Allele origin: germline.
Comment: The p.S834C variant (also known as c.2501C>G), located in coding exon 15 of the DICER1 gene, results from a C to G substitution at nucleotide position 2501. The serine at codon 834 is replaced by cysteine, an amino acid with dissimilar properties. This amino acid position is highly conserved in available vertebrate species. In addition, this alteration is predicted to be deleterious by in silico analysis. Since supporting evidence is limited at this time, the clinical significance of this alteration remains unclear.

Labcorp Genetics (formerly Invitae), Labcorp
Classification: Uncertain significance for DICER1-related tumor predisposition. Last evaluated: 2023-08-16. Review status: criteria provided, single submitter. Criteria: Invitae Variant Classification Sherloc (09022015). Collection method: clinical testing. Allele origin: germline.
Comment: This sequence change replaces serine, which is neutral and polar, with cysteine, which is neutral and slightly polar, at codon 834 of the DICER1 protein (p.Ser834Cys). In summary, the available evidence is currently insufficient to determine the role of this variant in disease. Therefore, it has been classified as a Variant of Uncertain Significance. Advanced modeling of protein sequence and biophysical properties (such as structural, functional, and spatial information, amino acid conservation, physicochemical variation, residue mobility, and thermodynamic stability) performed at Invitae indicates that this missense variant is not expected to disrupt DICER1 protein function. ClinVar contains an entry for this variant (Variation ID: 1039052). This variant has not been reported in the literature in individuals affected with DICER1-related conditions. This variant is not present in population databases (gnomAD no frequency).

NM_177438.3(DICER1):c.2501C>G (p.Ser834Cys)

Gene: DICER1 (dicer 1, ribonuclease III; minus strand). Cytogenetic location: 14q32.13.
Variant type: single nucleotide variant.
Coding change: c.2501C>G on transcript NM_177438.3 (MANE Select); coding-DNA position 2501, C replaced by G.
Protein change: p.Ser834Cys; replaces serine 834 with cysteine.
Molecular consequence: missense variant.
Genome position (GRCh38, 1-based): chr14:95,108,029, G>C on the plus strand (C>G on the coding strand, the complement: DICER1 is on the minus strand). VCF-style: chr14-95108029-G-C. GRCh37 (hg19) VCF-style: chr14-95574366-G-C.
Other names: c.2501C>G, p.Ser834Cys (NM_001195573.1, NM_001271282.3, NM_001291628.2 and 1 more transcripts); short protein forms S834C.
Identifiers: ClinVar variation 1039052 (VCV001039052.11), dbSNP rs1891607050, ClinGen allele CA390881892.